The following is an entry in ClinVar:

ClinVar aggregate classification (germline): Pathogenic (1 of 4 stars; one submission).

Conditions:
Ehlers-Danlos syndrome, kyphoscoliotic type 1 (EDSKSCL1). Also called: Ehlers-Danlos syndrome, hydroxylysine-deficient; EHLERS-DANLOS SYNDROME, TYPE VIA; PLOD1-Related Kyphoscoliotic Ehlers-Danlos Syndrome; EHLERS-DANLOS SYNDROME, OCULAR-SCOLIOTIC TYPE. Identifiers: Orphanet 1900, MedGen C0268342, MONDO:0016002, OMIM 225400. Disease mechanism: loss of function.

Submission:

Labcorp Genetics (formerly Invitae), Labcorp
Classification: Pathogenic for Ehlers-Danlos syndrome, kyphoscoliotic type 1. Last evaluated: 2023-08-16. Review status: criteria provided, single submitter. Criteria: Invitae Variant Classification Sherloc (09022015). Collection method: clinical testing. Allele origin: germline.
Comment: For these reasons, this variant has been classified as Pathogenic. A similar copy number variant has been observed in individual(s) with kyphoscoliotic Ehlers-Danlos syndrome (PMID: 35128800). This variant is a gross deletion of the genomic region encompassing exon(s) 2 of the PLOD1 gene. This deletion is out-of-frame, and is expected to create a premature termination codon and result in an absent or disrupted protein product. Loss-of-function variants in PLOD1 are known to be pathogenic (PMID: 10874315, 21699693).

Literature cited by the submitters: PubMed 35128800; PubMed 10874315; PubMed 21699693.

NC_000001.10:g.(?_12008013)_(12008144_?)del

Gene: PLOD1 (procollagen-lysine,2-oxoglutarate 5-dioxygenase 1; plus strand). Cytogenetic location: 1p36.22.
Variant type: Deletion.
Identifiers: ClinVar variation 2422835 (VCV002422835.6).